The following is an entry in ClinVar:

NM_144991.3(TSPEAR):c.633+3G>A

Gene: TSPEAR (thrombospondin type laminin G domain and EAR repeats; minus strand). Cytogenetic location: 21q22.3.
Variant type: single nucleotide variant.
Coding change: c.633+3G>A on transcript NM_144991.3 (MANE Select); 3 bases into the intron after coding-DNA position 633, G replaced by A.
Molecular consequence: intron variant.
Genome position (GRCh38, 1-based): chr21:44,531,040, C>T on the plus strand (G>A on the coding strand, the complement: TSPEAR is on the minus strand). VCF-style: chr21-44531040-C-T. GRCh37 (hg19) VCF-style: chr21-45950923-C-T.
Other names: c.429+3G>A (NM_001272037.2).
Identifiers: ClinVar variation 2182083 (VCV002182083.4), dbSNP rs781825455, ClinGen allele CA10056924.
Genomic context (GRCh38, chr21:44,531,040, plus strand): 5'-ACTGGCCTGGGGCAGTCCCATCCCGCAGCACGGGTGTTGGGAAGGCAGCCCCTCCATACT[C>T]GCCATGAACAGGCCTTTGGCTCTCCTCCGGCTGCCGACGAAGAATCGAGCTCCTTTCACT-3'

ClinVar aggregate classification (germline): Uncertain significance (1 of 4 stars; one submission).

Allele frequency attached by ClinVar (database versions not stated): ExAC 0.00001; gnomAD 0.00001; TOPMed 0.00001; gnomAD exomes 0.00002.
gnomAD v4.1: 24 of 1,612,762 alleles (0.0015%); highest among the groups gnomAD compares: South Asian, 0.0022%; no homozygotes.

Submission:

Labcorp Genetics (formerly Invitae), Labcorp
Classification: Uncertain significance. Last evaluated: 2023-09-01. Review status: criteria provided, single submitter. Criteria: Invitae Variant Classification Sherloc (09022015). Collection method: clinical testing. Allele origin: germline.
Comment: This sequence change falls in intron 4 of the TSPEAR gene. It does not directly change the encoded amino acid sequence of the TSPEAR protein. It affects a nucleotide within the consensus splice site. In summary, the available evidence is currently insufficient to determine the role of this variant in disease. Therefore, it has been classified as a Variant of Uncertain Significance. Variants that disrupt the consensus splice site are a relatively common cause of aberrant splicing (PMID: 17576681, 9536098). Algorithms developed to predict the effect of sequence changes on RNA splicing suggest that this variant may create or strengthen a splice site. ClinVar contains an entry for this variant (Variation ID: 2182083). This variant has not been reported in the literature in individuals affected with TSPEAR-related conditions. This variant is present in population databases (rs781825455, gnomAD 0.002%).

Literature cited by the submitters: PubMed 17576681; PubMed 9536098.